The following is an entry in ClinVar:

NM_000089.4(COL1A2):c.497G>T (p.Gly166Val)

Gene: COL1A2 (collagen type I alpha 2 chain; plus strand). Cytogenetic location: 7q21.3.
Variant type: single nucleotide variant.
Coding change: c.497G>T on transcript NM_000089.4 (MANE Select); coding-DNA position 497, G replaced by T.
Protein change: p.Gly166Val; replaces glycine 166 with valine.
Molecular consequence: missense variant.
Genome position (GRCh38, 1-based): chr7:94,405,683, G>T. VCF-style: chr7-94405683-G-T. GRCh37 (hg19) VCF-style: chr7-94034995-G-T.
Other names: short protein forms G166V.
Identifiers: ClinVar variation 4075356 (VCV004075356.2).
Genomic context (GRCh38, chr7:94,405,683, plus strand): 5'-TTTTATTTATGGTAAAACATTATTCACCATCTTCTGTATTTCTTTCTAAGGGTGCTCGTG[G>T]TTTCCCTGGAACTCCTGGACTTCCTGGCTTCAAAGGCATTAGGGTGAGCACATTCTTTAC-3'
Protein context (NP_000080.2, residues 156-176): RGVVGPQGAR[Gly166Val]FPGTPGLPGF

ClinVar aggregate classification (germline): Pathogenic. Review status: criteria provided, multiple submitters, no conflicts (2 of 4 stars). 2 submissions from 2 submitters: Pathogenic (2). Last evaluated 2025-09-28.

Conditions:
Osteogenesis imperfecta type I (OI1). Also called: OI, TYPE I; OSTEOGENESIS IMPERFECTA TARDA; OSTEOGENESIS IMPERFECTA WITH BLUE SCLERAE; Osteogenesis imperfecta type 1; Lobstein's Disease; Lobstein disease. Identifiers: Orphanet 216796, Orphanet 666, MedGen C0023931, MONDO:0008146, OMIM 166200. Disease mechanism: loss of function.
Ehlers-Danlos syndrome, classic type, 1 (EDSCL1). Also called: EHLERS-DANLOS SYNDROME, GRAVIS TYPE; EHLERS-DANLOS SYNDROME, SEVERE CLASSIC TYPE; Ehlers-Danlos syndrome, type 1; Ehlers-Danlos Syndrome, Classic Type, COL5A1-Related; EDS I. Identifiers: MedGen C0268335, MONDO:0019567, OMIM 130000.

Submissions (2):

Labcorp Genetics (formerly Invitae), Labcorp
Classification: Pathogenic for Osteogenesis imperfecta type I; Ehlers-Danlos syndrome, classic type, 1. Last evaluated: 2025-09-28. Review status: criteria provided, single submitter. Criteria: Invitae Variant Classification Sherloc (09022015). Collection method: clinical testing. Allele origin: germline.
Comment: This sequence change replaces glycine, which is neutral and non-polar, with valine, which is neutral and non-polar, at codon 166 of the COL1A2 protein (p.Gly166Val). This variant is not present in population databases (gnomAD no frequency). This missense change has been observed in individual(s) with osteogenesis imperfecta (PMID: 17078022). Invitae Evidence Modeling of protein sequence and biophysical properties (such as structural, functional, and spatial information, amino acid conservation, physicochemical variation, residue mobility, and thermodynamic stability) indicates that this missense variant is expected to disrupt COL1A2 protein function with a positive predictive value of 95%. This variant disrupts the triple helix domain of COL1A2. Glycine residues within the Gly-Xaa-Yaa repeats of the triple helix domain are required for the structure and stability of fibrillar collagens (PMID: 7695699, 8218237, 19344236). In COL1A2, variants affecting these glycine residues are significantly enriched in individuals with disease (PMID: 9016532, 17078022) compared to the general population (ExAC). For these reasons, this variant has been classified as Pathogenic.

Clinical Biomedical Laboratory, Shriners Hospital For Children - Canada
Classification: Pathogenic for Osteogenesis imperfecta type I. Last evaluated: 2025-07-16. Review status: criteria provided, single submitter. Criteria: ACMG Guidelines, 2015. Collection method: clinical testing. Allele origin: germline. Affected: yes.
Comment: This variant is predicted to substitute a glycine residue by a valine residue in the alpha 2 chain of collagen type I. Glycine substitutions in the triple helical domain of collagen type I cause disruption in the formation of the triple helix in the collagen molecule and are a typical cause of osteogenesis imperfecta. This variant is absent in the Genome Aggregation Database v2.1.1., indicating it is very rare. This variant has been reported in the literature (PMID: 17078022) as a cause of osteogenesis imperfecta. Prediction tools (REVEL: 0.98) suggest that the change is detrimental to protein function.

Literature cited by the submitters: PubMed 17078022 (cited by Labcorp Genetics (formerly Invitae), Labcorp and Clinical Biomedical Laboratory, Shriners Hospital For Children - Canada); PubMed 7695699 (cited by Labcorp Genetics (formerly Invitae), Labcorp); PubMed 8218237 (cited by Labcorp Genetics (formerly Invitae), Labcorp); PubMed 19344236 (cited by Labcorp Genetics (formerly Invitae), Labcorp); PubMed 9016532 (cited by Labcorp Genetics (formerly Invitae), Labcorp).